The following is an entry in ClinVar:

NM_015909.4(NBAS):c.6457G>A (p.Glu2153Lys)

Gene: NBAS (NBAS subunit of NRZ tethering complex; minus strand). Cytogenetic location: 2p24.3.
Variant type: single nucleotide variant.
Coding change: c.6457G>A on transcript NM_015909.4 (MANE Select); coding-DNA position 6457, G replaced by A.
Protein change: p.Glu2153Lys; replaces glutamic acid 2153 with lysine.
Molecular consequence: missense variant. On other transcripts: non-coding transcript variant (1).
Genome position (GRCh38, 1-based): chr2:15,190,379, C>T on the plus strand (G>A on the coding strand, the complement: NBAS is on the minus strand). VCF-style: chr2-15190379-C-T. GRCh37 (hg19) VCF-style: chr2-15330503-C-T.
Other names: short protein forms E2153K.
Identifiers: ClinVar variation 1374667 (VCV001374667.6), dbSNP rs1665292806, ClinGen allele CA345920656.

ClinVar aggregate classification (germline): Uncertain significance (1 of 4 stars; one submission).

Allele frequency attached by ClinVar (database versions not stated): TOPMed below 0.00001.
gnomAD v4.1: 2 of 1,613,994 alleles (0.00012%); no homozygotes.

Submission:

Labcorp Genetics (formerly Invitae), Labcorp
Classification: Uncertain significance. Last evaluated: 2021-08-12. Review status: criteria provided, single submitter. Criteria: Invitae Variant Classification Sherloc (09022015). Collection method: clinical testing. Allele origin: germline.
Comment: This variant has not been reported in the literature in individuals affected with NBAS-related conditions. This sequence change replaces glutamic acid with lysine at codon 2153 of the NBAS protein (p.Glu2153Lys). The glutamic acid residue is highly conserved and there is a small physicochemical difference between glutamic acid and lysine. This variant is not present in population databases (ExAC no frequency). Algorithms developed to predict the effect of missense changes on protein structure and function (SIFT, PolyPhen-2, Align-GVGD) all suggest that this variant is likely to be disruptive. In summary, the available evidence is currently insufficient to determine the role of this variant in disease. Therefore, it has been classified as a Variant of Uncertain Significance.